The following is an entry in ClinVar:

NM_003482.4(KMT2D):c.5528C>T (p.Thr1843Ile)

Gene: KMT2D (lysine methyltransferase 2D; minus strand). Cytogenetic location: 12q13.12.
Variant type: single nucleotide variant.
Coding change: c.5528C>T on transcript NM_003482.4 (MANE Select); coding-DNA position 5528, C replaced by T.
Protein change: p.Thr1843Ile; replaces threonine 1843 with isoleucine.
Molecular consequence: missense variant.
Genome position (GRCh38, 1-based): chr12:49,043,368, G>A on the plus strand (C>T on the coding strand, the complement: KMT2D is on the minus strand). VCF-style: chr12-49043368-G-A. GRCh37 (hg19) VCF-style: chr12-49437151-G-A.
Other names: short protein forms T1843I.
Identifiers: ClinVar variation 4989689 (VCV004989689.1).
Genomic context (GRCh38, chr12:49,043,368, plus strand): 5'-AGGGACAGAGGCAAGCAAGGCCAAGACAGGACACAGTAACCCCGGCAGCCCTCACCTGGT[G>A]TATCGGCTTTGCCCTCGAGGCCACGGGATTCTTCATCTGCAATATCTGGACCATCATCTC-3'
Protein context (NP_003473.3, residues 1833-1853): ESRGLEGKAD[Thr1843Ile]PGPEDGGVKA

ClinVar aggregate classification (germline): Uncertain significance (1 of 4 stars; one submission).

Conditions:
KMT2D-related disorder. Also called: KMT2D-Related Disorders.

gnomAD v4.1: 5 of 1,613,892 alleles (0.00031%); highest among the groups gnomAD compares: East Asian, 0.0045%; no homozygotes.

Submission:

PreventionGenetics, part of Exact Sciences
Classification: Uncertain significance for KMT2D-related condition. Last evaluated: 2025-09-04. Review status: criteria provided, single submitter. Criteria: ACMG Guidelines, 2015. Collection method: clinical testing. Allele origin: germline.
Comment: The KMT2D c.5528C>T variant is predicted to result in the amino acid substitution p.Thr1843Ile. To our knowledge, this variant has not been reported in the literature or in a large population database (gnomAD), indicating this variant is rare. At this time, the clinical significance of this variant is uncertain due to the absence of conclusive functional and genetic evidence.